The following is an entry in ClinVar:

NM_004370.6(COL12A1):c.3635G>A (p.Arg1212Gln)

Gene: COL12A1 (collagen type XII alpha 1 chain; minus strand). Cytogenetic location: 6q13.
Variant type: single nucleotide variant.
Coding change: c.3635G>A on transcript NM_004370.6 (MANE Select); coding-DNA position 3635, G replaced by A.
Protein change: p.Arg1212Gln; replaces arginine 1212 with glutamine.
Molecular consequence: missense variant.
Genome position (GRCh38, 1-based): chr6:75,152,413, C>T on the plus strand (G>A on the coding strand, the complement: COL12A1 is on the minus strand). VCF-style: chr6-75152413-C-T. GRCh37 (hg19) VCF-style: chr6-75862129-C-T.
Other names: c.143G>A, p.Arg48Gln (NM_080645.3); short protein forms R48Q, R1212Q.
Identifiers: ClinVar variation 1438065 (VCV001438065.6), dbSNP rs775382202, ClinGen allele CA3893659.

ClinVar aggregate classification (germline): Uncertain significance (1 of 4 stars; one submission).

Conditions:
Ullrich congenital muscular dystrophy 2 (UCMD2). Identifiers: Orphanet 75840, MedGen C4225314, MONDO:0014654, OMIM 616470.
Bethlem myopathy 2 (BTHLM2). Identifiers: Orphanet 536516, Orphanet 610, MedGen C4225313, MONDO:0034022, OMIM 616471.

Allele frequency attached by ClinVar (database versions not stated): gnomAD exomes below 0.00001; ExAC 0.00001.
gnomAD v4.1: 7 of 1,613,626 alleles (0.00043%); highest among the groups gnomAD compares: South Asian, 0.0011%; no homozygotes.

Submission:

Labcorp Genetics (formerly Invitae), Labcorp
Classification: Uncertain significance for Bethlem myopathy 2; Ullrich congenital muscular dystrophy 2. Last evaluated: 2026-01-23. Review status: criteria provided, single submitter. Criteria: Invitae Variant Classification Sherloc (09022015). Collection method: clinical testing. Allele origin: germline.
Comment: This sequence change replaces arginine, which is basic and polar, with glutamine, which is neutral and polar, at codon 1212 of the COL12A1 protein (p.Arg1212Gln). This variant is present in population databases (rs775382202, gnomAD 0.0009%). This variant has not been reported in the literature in individuals affected with COL12A1-related conditions. ClinVar contains an entry for this variant (Variation ID: 1438065). Invitae Evidence Modeling of protein sequence and biophysical properties (such as structural, functional, and spatial information, amino acid conservation, physicochemical variation, residue mobility, and thermodynamic stability) has been performed for this missense variant. However, the output from this modeling did not meet the statistical confidence thresholds required to predict the impact of this variant on COL12A1 protein function. In summary, the available evidence is currently insufficient to determine the role of this variant in disease. Therefore, it has been classified as a Variant of Uncertain Significance.